The following is an entry in ClinVar:

NM_000340.2(SLC2A2):c.613-7T>G

Gene: SLC2A2 (solute carrier family 2 member 2; minus strand). Cytogenetic location: 3q26.2.
Variant type: single nucleotide variant.
Coding change: c.613-7T>G on transcript NM_000340.2 (MANE Select); 7 bases into the intron before coding-DNA position 613, T replaced by G.
Molecular consequence: intron variant.
Genome position (GRCh38, 1-based): chr3:171,006,112, A>C on the plus strand (T>G on the coding strand, the complement: SLC2A2 is on the minus strand). VCF-style: chr3-171006112-A-C. GRCh37 (hg19) VCF-style: chr3-170723901-A-C.
Other names: c.256-7T>G (NM_001278658.2); c.94-7T>G (NM_001278659.2).
Identifiers: ClinVar variation 1339449 (VCV001339449.3), dbSNP rs2108244550, ClinGen allele CA2573052114.

ClinVar aggregate classification (germline): Likely pathogenic (1 of 4 stars; one submission).

Conditions:
Fanconi-Bickel syndrome (FBS). Also called: FANCONI SYNDROME WITH INTESTINAL MALABSORPTION AND GALACTOSE INTOLERANCE; HEPATIC GLYCOGENOSIS WITH AMINO ACIDURIA AND GLUCOSURIA; HEPATIC GLYCOGENOSIS WITH FANCONI NEPHROPATHY; HEPATORENAL GLYCOGENOSIS WITH RENAL FANCONI SYNDROME; Glycogen storage disease due to GLUT2 deficiency; PSEUDO-PHLORIZIN DIABETES. Identifiers: Orphanet 2088, MedGen C3495427, MONDO:0009216, OMIM 227810.

gnomAD v4.1: 2 of 1,611,034 alleles (0.00012%); highest among the groups gnomAD compares: South Asian, 0.0022%; no homozygotes.

Submission:

Laboratory of Cyto-molecular Genetics, Department of Anatomy, All India Institute of Medical Sciences (AIIMS), New Delhi
Classification: Likely pathogenic for Fanconi-Bickel syndrome. Last evaluated: 2022-02-07. Review status: criteria provided, single submitter. Criteria: ACMG Guidelines, 2015. Collection method: clinical testing. Allele origin: germline. Affected: yes. Observed: 3 variant alleles.
Comment: NC_000003.11(SLC2A2_v003):c.613-7T>G; splice site variant at intron 5-exon 6 junction

Literature cited by the submitters: PubMed 35738466.